The following is an entry in ClinVar:

ClinVar aggregate classification (germline): Uncertain significance (1 of 4 stars; one submission).

Conditions:
GLUT1 deficiency syndrome 1, autosomal recessive. Identifiers: MedGen C3149117.

Submission:

Labcorp Genetics (formerly Invitae), Labcorp
Classification: Uncertain significance for GLUT1 deficiency syndrome 1, autosomal recessive. Last evaluated: 2022-03-18. Review status: criteria provided, single submitter. Criteria: Invitae Variant Classification Sherloc (09022015). Collection method: clinical testing. Allele origin: germline.
Comment: In summary, the available evidence is currently insufficient to determine the role of this variant in disease. Therefore, it has been classified as a Variant of Uncertain Significance. Advanced modeling of protein sequence and biophysical properties (such as structural, functional, and spatial information, amino acid conservation, physicochemical variation, residue mobility, and thermodynamic stability) performed at Invitae indicates that this missense variant is expected to disrupt SLC2A1 protein function. This variant has not been reported in the literature in individuals affected with SLC2A1-related conditions. This variant is not present in population databases (gnomAD no frequency). This sequence change replaces threonine, which is neutral and polar, with asparagine, which is neutral and polar, at codon 459 of the SLC2A1 protein (p.Thr459Asn).

NM_006516.4(SLC2A1):c.1376C>A (p.Thr459Asn)

Gene: SLC2A1 (solute carrier family 2 member 1; minus strand). Cytogenetic location: 1p34.2.
Variant type: single nucleotide variant.
Coding change: c.1376C>A on transcript NM_006516.4 (MANE Select); coding-DNA position 1376, C replaced by A.
Protein change: p.Thr459Asn; replaces threonine 459 with asparagine.
Molecular consequence: missense variant.
Genome position (GRCh38, 1-based): chr1:42,927,144, G>T on the plus strand (C>A on the coding strand, the complement: SLC2A1 is on the minus strand). VCF-style: chr1-42927144-G-T. GRCh37 (hg19) VCF-style: chr1-43392815-G-T.
Other names: short protein forms T459N.
Identifiers: ClinVar variation 2113925 (VCV002113925.4), dbSNP rs2524982112, ClinGen allele CA339953056.
Genomic context (GRCh38, chr1:42,927,144, plus strand): 5'-GGTGTCTTGTCACTTTGGCTGGCTCCCCCCTGCCGGAAGCCGGAAGCGATCTCATCGAAG[G>T]TCCGGCCTTTAGTCTCAGGAACTTTGAAGTAGGTGAAGATGAAGAACAGAACCAGGAGCA-3'
Protein context (NP_006507.2, residues 449-469): YFKVPETKGR[Thr459Asn]FDEIASGFRQ